The following is an entry in ClinVar:

NM_018052.5(VAC14):c.1305+5G>A

Genes: VAC14 (VAC14 component of PIKFYVE complex; minus strand), VAC14-AS1 (VAC14 antisense RNA 1; plus strand). Cytogenetic location: 16q22.1.
Variant type: single nucleotide variant.
Coding change: c.1305+5G>A on transcript NM_018052.5 (MANE Select); 5 bases into the intron after coding-DNA position 1305, G replaced by A.
Molecular consequence: intron variant.
Genome position (GRCh38, 1-based): chr16:70,762,876, C>T on the plus strand (G>A on the coding strand, the complement: VAC14 is on the minus strand). VCF-style: chr16-70762876-C-T. GRCh37 (hg19) VCF-style: chr16-70796779-C-T.
Other names: c.603+5G>A (NM_001351157.2).
Identifiers: ClinVar variation 3614893 (VCV003614893.2).

ClinVar aggregate classification (germline): Uncertain significance (1 of 4 stars; one submission).

gnomAD v4.1: 8 of 1,614,098 alleles (0.0005%); highest among the groups gnomAD compares: South Asian, 0.0066%; no homozygotes.

Submission:

Labcorp Genetics (formerly Invitae), Labcorp
Classification: Uncertain significance. Last evaluated: 2025-01-06. Review status: criteria provided, single submitter. Criteria: Invitae Variant Classification Sherloc (09022015). Collection method: clinical testing. Allele origin: germline.
Comment: This sequence change falls in intron 11 of the VAC14 gene. It does not directly change the encoded amino acid sequence of the VAC14 protein. It affects a nucleotide within the consensus splice site. This variant is present in population databases (rs776538818, gnomAD 0.01%). This variant has not been reported in the literature in individuals affected with VAC14-related conditions. Variants that disrupt the consensus splice site are a relatively common cause of aberrant splicing (PMID: 17576681, 9536098). Algorithms developed to predict the effect of sequence changes on RNA splicing suggest that this variant is not likely to affect RNA splicing. In summary, the available evidence is currently insufficient to determine the role of this variant in disease. Therefore, it has been classified as a Variant of Uncertain Significance.

Literature cited by the submitters: PubMed 17576681; PubMed 9536098.